The following is an entry in ClinVar:

NM_018474.6(KIZ):c.932_934del (p.Val311del)

Gene: KIZ (kizuna centrosomal protein; plus strand). Cytogenetic location: 20p11.23.
Variant type: Deletion.
Coding change: c.932_934del on transcript NM_018474.6 (MANE Select); coding-DNA positions 932 to 934, 3 bases deleted (TTG; older notation c.932_934delTTG).
Protein change: p.Val311del; deletes valine 311.
Molecular consequence: inframe deletion.
Genome position (GRCh38, 1-based): chr20:21,162,397-21,162,399, TTG deleted; deleting any 3 consecutive bases within chr20:21,162,396-21,162,399 gives the same sequence; the c. name uses the placement nearest the transcript's 3' end. VCF-style (leftmost placement, unchanged base first): chr20-21162395-AGTT-A. GRCh37 (hg19) VCF-style: chr20-21143036-AGTT-A.
Other names: c.931_933del (NM_018474.6); c.623_625del, p.Val208del (NM_001163022.3, NM_001352435.2); c.533_535del, p.Val178del (NM_001163023.3); c.785_787del, p.Val262del (NM_001276389.2); c.932_934del, p.Val311del (NM_001352434.2); c.590_592del, p.Val197del (NM_001352436.2); short protein forms V178del, V197del, V208del, V262del, V311del.
Identifiers: ClinVar variation 1056979 (VCV001056979.12), dbSNP rs1462900742, ClinGen allele CA635269222.

ClinVar aggregate classification (germline): Uncertain significance. Review status: criteria provided, multiple submitters, no conflicts (2 of 4 stars). 3 submissions from 3 submitters: Uncertain significance (2). 1 of the submissions does not count toward it. Last evaluated 2025-11-24.

Conditions:
Retinal dystrophy. Also called: Inherited retinal dystrophy. Identifiers: Orphanet 71862, MedGen C0854723, MeSH D058499, MONDO:0019118, HP:0000556.

Submissions (3):

Labcorp Genetics (formerly Invitae), Labcorp
Classification: Uncertain significance. Last evaluated: 2025-11-24. Review status: criteria provided, single submitter. Criteria: Invitae Variant Classification Sherloc (09022015). Collection method: clinical testing. Allele origin: germline.
Comment: This variant, c.932_934del, results in the deletion of 1 amino acid(s) of the KIZ protein (p.Val311del), but otherwise preserves the integrity of the reading frame. This variant is present in population databases (no rsID available, gnomAD 0.002%). This variant has not been reported in the literature in individuals affected with KIZ-related conditions. ClinVar contains an entry for this variant (Variation ID: 1056979). Experimental studies and prediction algorithms are not available or were not evaluated, and the functional significance of this variant is currently unknown. In summary, the available evidence is currently insufficient to determine the role of this variant in disease. Therefore, it has been classified as a Variant of Uncertain Significance.

Blueprint Genetics
Classification: Uncertain significance. Last evaluated: 2018-11-27. Review status: criteria provided, single submitter. Criteria: ACMG Guidelines, 2015. Collection method: clinical testing. Allele origin: germline.

Institute of Human Genetics, Univ. Regensburg, Univ. Regensburg
Classification: Uncertain significance for Retinal dystrophy. Last evaluated: 2019-01-01. Review status: no assertion criteria provided. Criteria: ACMG Guidelines, 2015. Collection method: clinical testing. Allele origin: germline. Affected: yes. Not counted in ClinVar's aggregate classification.